The following is an entry in ClinVar:

NM_020964.3(EPG5):c.3397G>C (p.Val1133Leu)

Gene: EPG5 (ectopic P-granules 5 autophagy tethering factor; minus strand). Cytogenetic location: 18q21.1.
Variant type: single nucleotide variant.
Coding change: c.3397G>C on transcript NM_020964.3 (MANE Select); coding-DNA position 3397, G replaced by C.
Protein change: p.Val1133Leu; replaces valine 1133 with leucine.
Molecular consequence: missense variant.
Genome position (GRCh38, 1-based): chr18:45,916,194, C>G on the plus strand (G>C on the coding strand, the complement: EPG5 is on the minus strand). VCF-style: chr18-45916194-C-G. GRCh37 (hg19) VCF-style: chr18-43496159-C-G.
Other names: c.3397G>C (NM_020964.2); short protein forms V1133L.
Identifiers: ClinVar variation 1059829 (VCV001059829.9), dbSNP rs1196176370, ClinGen allele CA402342725.

ClinVar aggregate classification (germline): Uncertain significance. Review status: criteria provided, multiple submitters, no conflicts (2 of 4 stars). 3 submissions from 3 submitters: Uncertain significance (3). Last evaluated 2025-08-29.

Conditions:
Inborn genetic diseases. Identifiers: MedGen C0950123, MeSH D030342.
Vici syndrome (VICIS). Identifiers: Orphanet 1493, MedGen C1855772, MONDO:0009452, OMIM 242840.

Allele frequency attached by ClinVar (database versions not stated): gnomAD exomes below 0.00001; TOPMed below 0.00001; gnomAD 0.00001.
gnomAD v4.1: 21 of 1,611,888 alleles (0.0013%); highest among the groups gnomAD compares: Non-Finnish European, 0.0016%; no homozygotes.

Submissions (3):

Ambry Genetics
Classification: Uncertain significance for Inborn genetic diseases. Last evaluated: 2025-08-29. Review status: criteria provided, single submitter. Criteria: Ambry Variant Classification Scheme 2023. Collection method: clinical testing. Allele origin: germline.

Labcorp Genetics (formerly Invitae), Labcorp
Classification: Uncertain significance for Vici syndrome. Last evaluated: 2021-08-28. Review status: criteria provided, single submitter. Criteria: Invitae Variant Classification Sherloc (09022015). Collection method: clinical testing. Allele origin: germline.
Comment: This sequence change replaces valine with leucine at codon 1133 of the EPG5 protein (p.Val1133Leu). The valine residue is weakly conserved and there is a small physicochemical difference between valine and leucine. This variant is not present in population databases (ExAC no frequency). This variant has not been reported in the literature in individuals affected with EPG5-related conditions. Algorithms developed to predict the effect of missense changes on protein structure and function are either unavailable or do not agree on the potential impact of this missense change (SIFT: "Tolerated"; PolyPhen-2: "Possibly Damaging"; Align-GVGD: "Class C0"). In summary, the available evidence is currently insufficient to determine the role of this variant in disease. Therefore, it has been classified as a Variant of Uncertain Significance.

New York Genome Center
Classification: Uncertain significance for Vici syndrome. Last evaluated: 2021-04-25. Review status: criteria provided, single submitter. Criteria: NYGC Assertion Criteria 2020. Collection method: clinical testing. Allele origin: germline. Observed: 1 variant allele. Study: CSER-NYCKidSeq.